The following is an entry in ClinVar:

ClinVar aggregate classification (germline): Likely benign (0 of 4 stars; one submission).

Conditions:
DIAPH1-related disorder. Also called: DIAPH1-related condition.

Submission:

PreventionGenetics, part of Exact Sciences
Classification: Likely benign for DIAPH1-related condition. Last evaluated: 2022-06-10. Review status: no assertion criteria provided. Collection method: clinical testing. Allele origin: germline.
Comment: This variant is classified as likely benign based on ACMG/AMP sequence variant interpretation guidelines (Richards et al. 2015 PMID: 25741868, with internal and published modifications).

NM_005219.5(DIAPH1):c.-31C>G

Gene: DIAPH1 (diaphanous related formin 1; minus strand). Cytogenetic location: 5q31.3.
Variant type: single nucleotide variant.
Coding change: c.-31C>G on transcript NM_005219.5 (MANE Select); 31 bases upstream of the start codon, C replaced by G.
Molecular consequence: 5 prime UTR variant.
Genome position (GRCh38, 1-based): chr5:141,618,945, G>C on the plus strand (C>G on the coding strand, the complement: DIAPH1 is on the minus strand). VCF-style: chr5-141618945-G-C. GRCh37 (hg19) VCF-style: chr5-140998512-G-C.
Other names: c.-31C>G (NM_001079812.3, NM_001314007.2).
Identifiers: ClinVar variation 3045443 (VCV003045443.2), dbSNP rs977114362, ClinGen allele CA2740094126.